The following is an entry in ClinVar:

NM_015656.2(KIF26A):c.1545C>T (p.Ser515=)

Gene: KIF26A (kinesin family member 26A; plus strand). Cytogenetic location: 14q32.33.
Variant type: single nucleotide variant.
Coding change: c.1545C>T on transcript NM_015656.2 (MANE Select); coding-DNA position 1545, C replaced by T.
Protein change: p.Ser515=; no amino-acid change (serine 515 retained).
Molecular consequence: synonymous variant.
Genome position (GRCh38, 1-based): chr14:104,173,101, C>T. VCF-style: chr14-104173101-C-T. GRCh37 (hg19) VCF-style: chr14-104639438-C-T.
Identifiers: ClinVar variation 2644602 (VCV002644602.24), dbSNP rs369538661, ClinGen allele CA7370433.

ClinVar aggregate classification (germline): Likely benign (1 of 4 stars; one submission).

Allele frequency attached by ClinVar (database versions not stated): ExAC 0.00008; TOPMed 0.00015; 1000 Genomes Project 30x 0.00016; gnomAD 0.00017; 1000 Genomes Project 0.00020; ESP Exome Variant Server 0.00032.
gnomAD v4.1: 77 of 1,606,024 alleles (0.0048%); highest among the groups gnomAD compares: Middle Eastern, 0.083%; no homozygotes.

Submission:

CeGaT Center for Human Genetics Tuebingen
Classification: Likely benign. Last evaluated: 2023-02-01. Review status: criteria provided, single submitter. Criteria: CeGaT Center For Human Genetics Tuebingen Variant Classification Criteria Version 2. Collection method: clinical testing. Allele origin: germline. Affected: yes. Observed: 1 variant allele.
Comment: KIF26A: BP4, BP7